The following is an entry in ClinVar:

ClinVar aggregate classification (germline): Conflicting classifications of pathogenicity. Review status: criteria provided, conflicting classifications (1 of 4 stars). 7 submissions from 7 submitters: Pathogenic (2); Likely pathogenic (3); Uncertain significance (1). 1 of the submissions does not count toward it. Last evaluated 2025-10-20.

Conditions:
Sandhoff disease. Also called: Beta-hexosaminidase-beta-subunit deficiency; GM2 gangliosidosis, type 2; Total hexosaminidase deficiency; Sandhoff-Jatzkewitz-Pilz disease; GM2-GANGLIOSIDOSIS, TYPE II; HEXOSAMINIDASES A AND B DEFICIENCY. Identifiers: Orphanet 796, MedGen C0036161, MONDO:0010006, OMIM 268800.

Allele frequency attached by ClinVar (database versions not stated): TOPMed below 0.00001.

Submissions (7):

3billion
Classification: Likely pathogenic for Sandhoff disease. Last evaluated: 2025-10-20. Review status: criteria provided, single submitter. Criteria: ACMG Guidelines, 2015. Collection method: clinical testing. Allele origin: germline. Affected: yes.
Comment: The variant is not observed in the gnomAD v4.1.0 dataset. Predicted Consequence/Location: Missense variant. The majority of the known disease-causing variants of this gene are variants expected to result in premature termination of the protein. In silico tool predictions suggest damaging effect of the variant on gene or gene product [REVEL: 0.98 (>=0.6, sensitivity 0.68 and specificity 0.92); 3Cnet: 0.98 (> 0.75, sensitivity 0.96 and precision 0.92)]. The same nucleotide change resulting in the same amino acid change has been previously reported as pathogenic/likely pathogenic with strong evidence (ClinVar ID: VCV000167176 /PMID: 24461908). Therefore, this variant is classified as Likely pathogenic according to the recommendation of ACMG/AMP guideline.

Natera, Inc.
Classification: Likely pathogenic for Sandhoff disease. Last evaluated: 2025-09-23. Review status: criteria provided, single submitter. Criteria: Natera Variant Classification Schema (03/2026). Collection method: clinical testing. Allele origin: germline.
Comment: The c.1652G>A variant in HEXB is a missense variant predicted to cause substitution of cysteine to tyrosine at amino acid 551. This variant is rare in the general population with a frequency below the threshold expected for the associated phenotype(s). This variant has been observed in one or more individuals affected with the associated recessive disease, as either homozygous or compound heterozygous with a second variant (PMID: 33407268, 24461908, 31515793). Functional studies show that this variant may disrupt protein function (PMID: 33407268). Computational prediction algorithms indicate this variant is likely to affect gene or protein function. Given the available evidence, this variant is classified as Likely Pathogenic.

Labcorp Genetics (formerly Invitae), Labcorp
Classification: Pathogenic for Sandhoff disease. Last evaluated: 2025-07-10. Review status: criteria provided, single submitter. Criteria: Invitae Variant Classification Sherloc (09022015). Collection method: clinical testing. Allele origin: germline.
Comment: This sequence change replaces cysteine, which is neutral and slightly polar, with tyrosine, which is neutral and polar, at codon 551 of the HEXB protein (p.Cys551Tyr). This variant is not present in population databases (gnomAD no frequency). This missense change has been observed in individual(s) with Sandhoff disease (PMID: 24461908, 33407268). ClinVar contains an entry for this variant (Variation ID: 167176). Invitae Evidence Modeling of protein sequence and biophysical properties (such as structural, functional, and spatial information, amino acid conservation, physicochemical variation, residue mobility, and thermodynamic stability) indicates that this missense variant is expected to disrupt HEXB protein function with a positive predictive value of 95%. For these reasons, this variant has been classified as Pathogenic.

GeneDx
Classification: Likely pathogenic. Last evaluated: 2025-04-08. Review status: criteria provided, single submitter. Criteria: GeneDx Variant Classification Process June 2021. Collection method: clinical testing. Allele origin: germline. Affected: yes.
Comment: Not observed at significant frequency in large population cohorts (gnomAD); In silico analysis supports that this missense variant has a deleterious effect on protein structure/function; This variant is associated with the following publications: (PMID: Abdelhameed2019[Preprint], 31515793, 29448188, 24461908, 33407268)

Fulgent Genetics
Classification: Pathogenic for Sandhoff disease. Last evaluated: 2024-01-28. Review status: criteria provided, single submitter. Criteria: ACMG Guidelines, 2015. Collection method: clinical testing. Allele origin: germline.

Eurofins Ntd Llc (ga)
Classification: Uncertain significance. Last evaluated: 2014-04-29. Review status: criteria provided, single submitter. Criteria: EGL Classification Definitions 2015. Collection method: clinical testing. Allele origin: germline.

Counsyl
Classification: Uncertain significance for Sandhoff disease. Last evaluated: 2018-05-23. Review status: no assertion criteria provided. Collection method: clinical testing. Allele origin: unknown. Not counted in ClinVar's aggregate classification.

Literature cited by the submitters: PubMed 24461908 (cited by 5 submitters); PubMed 33407268 (cited by Natera, Inc. and Labcorp Genetics (formerly Invitae), Labcorp); PubMed 31515793 (cited by Natera, Inc.).

NM_000521.4(HEXB):c.1652G>A (p.Cys551Tyr)

Gene: HEXB (hexosaminidase subunit beta; plus strand). Cytogenetic location: 5q13.3.
Variant type: single nucleotide variant.
Coding change: c.1652G>A on transcript NM_000521.4 (MANE Select); coding-DNA position 1652, G replaced by A.
Protein change: p.Cys551Tyr; replaces cysteine 551 with tyrosine.
Molecular consequence: missense variant.
Genome position (GRCh38, 1-based): chr5:74,721,156, G>A. VCF-style: chr5-74721156-G-A. GRCh37 (hg19) VCF-style: chr5-74016981-G-A.
Other names: c.977G>A, p.Cys326Tyr (NM_001292004.2); short protein forms C551Y, C326Y.
Identifiers: ClinVar variation 167176 (VCV000167176.15), dbSNP rs727503961, ClinGen allele CA234120.